The following is an entry in ClinVar:

NM_000719.7(CACNA1C):c.6031G>A (p.Val2011Ile)

Genes: CACNA1C (calcium voltage-gated channel subunit alpha1 C; plus strand), CACNA1C-AS1 (CACNA1C antisense RNA 1; minus strand). Cytogenetic location: 12p13.33.
Variant type: single nucleotide variant.
Coding change: c.6031G>A on transcript NM_000719.7 (MANE Select); coding-DNA position 6031, G replaced by A.
Protein change: p.Val2011Ile; replaces valine 2011 with isoleucine.
Molecular consequence: missense variant.
Genome position (GRCh38, 1-based): chr12:2,688,693, G>A. VCF-style: chr12-2688693-G-A. GRCh37 (hg19) VCF-style: chr12-2797859-G-A.
Other names: c.6175G>A, p.Val2059Ile (NM_001129827.2); c.6154G>A, p.Val2052Ile (NM_001129829.2); c.6136G>A, p.Val2046Ile (NM_001129830.3, NM_001167624.3); c.6115G>A, p.Val2039Ile (NM_001129831.2); c.6091G>A, p.Val2031Ile (NM_001129832.2); c.6088G>A, p.Val2030Ile (NM_001129833.2, NM_001129834.2, NM_001129835.2); c.6082G>A, p.Val2028Ile (NM_001129836.2); c.6055G>A, p.Val2019Ile (NM_001129837.2, NM_001129838.2); and 6 more; short protein forms V2011I, V2046I, V2059I, V2000I, V2019I, V2030I, V2094I, V2017I.
Identifiers: ClinVar variation 35770 (VCV000035770.16), dbSNP rs193922615, ClinGen allele CA213536.

ClinVar aggregate classification (germline): Uncertain significance. Review status: criteria provided, multiple submitters, no conflicts (2 of 4 stars). 3 submissions from 3 submitters: Uncertain significance (3). Last evaluated 2025-03-31.

Conditions:
Cardiovascular phenotype. Identifiers: MedGen CN230736.
Long QT syndrome (LQTS). Identifiers: MedGen C0023976, MeSH D008133, MONDO:0002442. Disease mechanism: loss of function. Inheritance: Various modes of inheritance.

gnomAD v4.1: 2 of 1,612,134 alleles (0.00012%); highest among the groups gnomAD compares: Non-Finnish European, 0.000085%; no homozygotes.

Submissions (3):

Labcorp Genetics (formerly Invitae), Labcorp
Classification: Uncertain significance for Long QT syndrome. Last evaluated: 2025-03-31. Review status: criteria provided, single submitter. Criteria: Invitae Variant Classification Sherloc (09022015). Collection method: clinical testing. Allele origin: germline.
Comment: This sequence change replaces valine, which is neutral and non-polar, with isoleucine, which is neutral and non-polar, at codon 2011 of the CACNA1C protein (p.Val2011Ile). This variant is present in population databases (rs193922615, gnomAD 0.0009%). This variant has not been reported in the literature in individuals affected with CACNA1C-related conditions. ClinVar contains an entry for this variant (Variation ID: 35770). Invitae Evidence Modeling of protein sequence and biophysical properties (such as structural, functional, and spatial information, amino acid conservation, physicochemical variation, residue mobility, and thermodynamic stability) indicates that this missense variant is not expected to disrupt CACNA1C protein function with a negative predictive value of 95%. In summary, the available evidence is currently insufficient to determine the role of this variant in disease. Therefore, it has been classified as a Variant of Uncertain Significance.

Women's Health and Genetics/Laboratory Corporation of America, LabCorp
Classification: Uncertain significance. Last evaluated: 2024-06-27. Review status: criteria provided, single submitter. Criteria: LabCorp Variant Classification Summary - May 2015. Collection method: clinical testing. Allele origin: germline.
Comment: Variant summary: CACNA1C c.6031G>A (p.Val2011Ile) results in a conservative amino acid change in the encoded protein sequence. Five of five in-silico tools predict a benign effect of the variant on protein function. The variant allele was found at a frequency of 4.1e-06 in 242806 control chromosomes (gnomAD). The available data on variant occurrences in the general population are insufficient to allow any conclusion about variant significance. To our knowledge, no occurrence of c.6031G>A in individuals affected with Arrhythmia and no experimental evidence demonstrating its impact on protein function have been reported. ClinVar contains an entry for this variant (Variation ID: 35770). Based on the evidence outlined above, the variant was classified as uncertain significance.

Ambry Genetics
Classification: Uncertain significance for Cardiovascular phenotype. Last evaluated: 2016-12-03. Review status: criteria provided, single submitter. Criteria: Ambry Variant Classification Scheme 2023. Collection method: clinical testing. Allele origin: germline.